The following is an entry in ClinVar:

NM_000088.4(COL1A1):c.4144G>T (p.Gly1382Cys)

Gene: COL1A1 (collagen type I alpha 1 chain; minus strand). Cytogenetic location: 17q21.33.
Variant type: single nucleotide variant.
Coding change: c.4144G>T on transcript NM_000088.4 (MANE Select); coding-DNA position 4144, G replaced by T.
Protein change: p.Gly1382Cys; replaces glycine 1382 with cysteine.
Molecular consequence: missense variant.
Genome position (GRCh38, 1-based): chr17:50,185,882, C>A on the plus strand (G>T on the coding strand, the complement: COL1A1 is on the minus strand). VCF-style: chr17-50185882-C-A. GRCh37 (hg19) VCF-style: chr17-48263243-C-A.
Other names: short protein forms G1382C.
Identifiers: ClinVar variation 3768781 (VCV003768781.2).
Genomic context (GRCh38, chr17:50,185,882, plus strand): 5'-CCTCGGCGCGGATCTCGATCTCGTTGGAGCCCTGGAGGAGCAGGGCCTTCTTGAGGTTGC[C>A]AGTCTGCTGGTCCATGTAGGCCACGCTGTTCTTGCAGTGGTAGGTGATGTTCTGGGAGGC-3'
Protein context (NP_000079.2, residues 1372-1392): NSVAYMDQQT[Gly1382Cys]NLKKALLLQG

ClinVar aggregate classification (germline): Uncertain significance. Review status: criteria provided, multiple submitters, no conflicts (2 of 4 stars). 2 submissions from 2 submitters: Uncertain significance (2). Last evaluated 2025-02-04.

gnomAD v4.1: 8 of 1,614,120 alleles (0.0005%); highest among the groups gnomAD compares: Non-Finnish European, 0.00059%; no homozygotes.

Submissions (2):

Women's Health and Genetics/Laboratory Corporation of America, LabCorp
Classification: Uncertain significance. Last evaluated: 2025-02-04. Review status: criteria provided, single submitter. Criteria: LabCorp Variant Classification Summary - May 2015. Collection method: clinical testing. Allele origin: germline.
Comment: Variant summary: COL1A1 c.4144G>T (p.Gly1382Cys) results in a non-conservative amino acid change located in the Collagen triple helix repeat (20 copies) (IPR008160) of the encoded protein sequence. Five of five in-silico tools predict a damaging effect of the variant on protein function. The variant allele was found at a frequency of 4e-06 in 251372 control chromosomes. The available data on variant occurrences in the general population are insufficient to allow any conclusion about variant significance. To our knowledge, no occurrence of c.4144G>T in individuals affected with Osteogenesis imperfecta type I and no experimental evidence demonstrating its impact on protein function have been reported. No submitters have cited clinical-significance assessments for this variant to ClinVar. Based on the evidence outlined above, the variant was classified as uncertain significance.

Blueprint Genetics
Classification: Uncertain significance. Last evaluated: 2023-05-19. Review status: criteria provided, single submitter. Criteria: ACMG Guidelines, 2015. Collection method: clinical testing. Allele origin: germline.